The following is an entry in ClinVar:

NM_002691.4(POLD1):c.1382A>T (p.Gln461Leu)

Gene: POLD1 (DNA polymerase delta 1, catalytic subunit; plus strand). Cytogenetic location: 19q13.33.
Variant type: single nucleotide variant.
Coding change: c.1382A>T on transcript NM_002691.4 (MANE Select); coding-DNA position 1382, A replaced by T.
Protein change: p.Gln461Leu; replaces glutamine 461 with leucine.
Molecular consequence: missense variant. On other transcripts: non-coding transcript variant (1).
Genome position (GRCh38, 1-based): chr19:50,406,321, A>T. VCF-style: chr19-50406321-A-T. GRCh37 (hg19) VCF-style: chr19-50909578-A-T.
Other names: c.1382A>T, p.Gln461Leu (NM_001256849.1, NM_001308632.1); short protein forms Q461L.
Identifiers: ClinVar variation 1448840 (VCV001448840.6), dbSNP rs1555791147, ClinGen allele CA406979997.

ClinVar aggregate classification (germline): Uncertain significance (1 of 4 stars; one submission).

Conditions:
POLD1-related polyposis and colorectal cancer syndrome (CRCS10). Also called: Colorectal cancer 10; COLORECTAL CANCER, SUSCEPTIBILITY TO, ON CHROMOSOME 19q; Colorectal cancer, susceptibility to, 10. Identifiers: Orphanet 220460, MedGen C2675481, MONDO:0012953, OMIM 612591.

Submission:

Labcorp Genetics (formerly Invitae), Labcorp
Classification: Uncertain significance for POLD1-related polyposis and colorectal cancer syndrome. Last evaluated: 2021-09-24. Review status: criteria provided, single submitter. Criteria: Invitae Variant Classification Sherloc (09022015). Collection method: clinical testing. Allele origin: germline.
Comment: In summary, the available evidence is currently insufficient to determine the role of this variant in disease. Therefore, it has been classified as a Variant of Uncertain Significance. Algorithms developed to predict the effect of missense changes on protein structure and function (SIFT, PolyPhen-2, Align-GVGD) all suggest that this variant is likely to be tolerated. This variant has not been reported in the literature in individuals affected with POLD1-related conditions. This variant is not present in population databases (ExAC no frequency). This sequence change replaces glutamine with leucine at codon 461 of the POLD1 protein (p.Gln461Leu). The glutamine residue is highly conserved and there is a moderate physicochemical difference between glutamine and leucine.